The following is an entry in ClinVar:

ClinVar aggregate classification (germline): Uncertain significance (1 of 4 stars; one submission).

Conditions:
Koolen-de Vries syndrome (KDVS). Identifiers: Orphanet 96169, MedGen C1864871, MONDO:0012496, OMIM 610443.

Submission:

Labcorp Genetics (formerly Invitae), Labcorp
Classification: Uncertain significance for Koolen-de Vries syndrome. Last evaluated: 2021-09-17. Review status: criteria provided, single submitter. Criteria: Invitae Variant Classification Sherloc (09022015). Collection method: clinical testing. Allele origin: germline.
Comment: Due to the possible presence of a polymorphic segmental duplication, the location of the variant could not be unambiguously resolved. Variants with ambiguous mapping are still reported relative to the KANSL1 transcript. This sequence change replaces alanine with valine at codon 15 of the KANSL1 protein (p.Ala15Val). The alanine residue is highly conserved and there is a small physicochemical difference between alanine and valine. The frequency data for this variant in the population databases (ExAC) is considered unreliable due to the presence of homologous sequence, such as pseudogenes or paralogs, in the genome. This variant has not been reported in the literature in individuals with KANSL1-related conditions. Algorithms developed to predict the effect of missense changes on protein structure and function are either unavailable or do not agree on the potential impact of this missense change (SIFT: "Tolerated"; PolyPhen-2: "Not Available"; Align-GVGD: "Class C25"). Until the location of this sequence change can be resolved, the clinical significance of this variant remains uncertain. It has been classified as a Variant of Uncertain Significance.

NM_015443.4(KANSL1):c.44C>T (p.Ala15Val)

Gene: KANSL1 (KAT8 regulatory NSL complex subunit 1). Cytogenetic location: 17q21.31.
Variant type: single nucleotide variant.
Coding change: c.44C>T on transcript NM_015443.4 (MANE Select); coding-DNA position 44, C replaced by T.
Protein change: p.Ala15Val; replaces alanine 15 with valine.
Molecular consequence: missense variant.
Genome position (GRCh38, 1-based): chr17:46,172,100, G>A on the plus strand (C>T on the coding strand, the complement: KANSL1 is on the minus strand). VCF-style: chr17-46172100-G-A. GRCh37 (hg19) VCF-style: chr17-44249466-G-A.
Other names: c.44C>T, p.Ala15Val (NM_001193465.2, NM_001193466.2, NM_001379198.1); short protein forms A15V.
Identifiers: ClinVar variation 1043950 (VCV001043950.6), dbSNP rs2046319479, ClinGen allele CA399983105.